The following is an entry in ClinVar:

ClinVar aggregate classification (germline): Pathogenic/Likely pathogenic. Review status: criteria provided, multiple submitters, no conflicts (2 of 4 stars). 12 submissions from 12 submitters: Pathogenic (6); Likely pathogenic (6). Last evaluated 2026-01-14.

Conditions:
GALT-related disorder. Also called: GALT-related condition.
Galactosemia. Also called: Galactose intolerance. Identifiers: Orphanet 352, MedGen C0016952, MONDO:0018116, HP:0004919. Disease mechanism: loss of function.
Deficiency of UDPglucose-hexose-1-phosphate uridylyltransferase. Also called: GALACTOSE-1-PHOSPHATE URIDYLYLTRANSFERASE DEFICIENCY; Transferase Deficiency Galactosemia; GALACTOSEMIA I; GALT deficiency; Galactosemia, classic. Identifiers: Orphanet 352, Orphanet 79239, MedGen C0268151, MONDO:0009258, OMIM 230400.

gnomAD v4.1: 5 of 1,613,982 alleles (0.00031%); highest among the groups gnomAD compares: Admixed American, 0.0017%; no homozygotes.

Submissions (12):

Labcorp Genetics (formerly Invitae), Labcorp
Classification: Pathogenic for Deficiency of UDPglucose-hexose-1-phosphate uridylyltransferase. Last evaluated: 2026-01-14. Review status: criteria provided, single submitter. Criteria: Invitae Variant Classification Sherloc (09022015). Collection method: clinical testing. Allele origin: germline.
Comment: This sequence change replaces aspartic acid, which is acidic and polar, with histidine, which is basic and polar, at codon 98 of the GALT protein (p.Asp98His). This variant is not present in population databases (gnomAD no frequency). This missense change has been observed in individuals with galactosemia (PMID: 14728988, 31395954). ClinVar contains an entry for this variant (Variation ID: 25149). Invitae Evidence Modeling of protein sequence and biophysical properties (such as structural, functional, and spatial information, amino acid conservation, physicochemical variation, residue mobility, and thermodynamic stability) indicates that this missense variant is expected to disrupt GALT protein function with a positive predictive value of 80%. Algorithms developed to predict the effect of sequence changes on RNA splicing suggest that this variant may disrupt the consensus splice site. This variant disrupts the p.Asp98 amino acid residue in GALT. Other variant(s) that disrupt this residue have been determined to be pathogenic (PMID: 10408771, 12595586, 22743281). This suggests that this residue is clinically significant, and that variants that disrupt this residue are likely to be disease-causing. For these reasons, this variant has been classified as Pathogenic.

Natera, Inc.
Classification: Likely pathogenic for Galactosemia. Last evaluated: 2025-12-26. Review status: criteria provided, single submitter. Criteria: Natera Variant Classification Schema (03/2026). Collection method: clinical testing. Allele origin: germline.
Comment: The c.292G>C variant in GALT is a missense variant predicted to cause substitution of aspartic acid to histidine at amino acid 98. This variant is rare in the general population with a frequency below the threshold expected for the associated phenotype(s). This variant has been observed in one or more individuals affected with the associated recessive disease, as either homozygous or compound heterozygous with a second variant (PMID: 21228398, 31395954, 14728988). A different variant at the same position has been determined to be Pathogenic or Likely Pathogenic. Computational prediction algorithms indicate this variant is likely to affect gene or protein function. Given the available evidence, this variant is classified as Likely Pathogenic.

Variantyx, Inc.
Classification: Likely pathogenic for Deficiency of UDPglucose-hexose-1-phosphate uridylyltransferase. Last evaluated: 2025-10-09. Review status: criteria provided, single submitter. Criteria: Variantyx Assertion Criteria 2022. Collection method: clinical testing. Allele origin: germline. Inheritance: Autosomal recessive inheritance. Affected: yes.
Comment: This is a nonsynonymous variant in the GALT gene (OMIM: 606999). Pathogenic variants in this gene have been associated with autosomal recessive galactosemia. This variant has been identified in the homozygous or compound heterozygous state in at least 2 individuals reported in the published literature (PMID: 31395954, 21228398) (PM3). An alternate amino acid change at this position (p.D98N) has been previously reported in similarly affected individuals, which suggests that this residue is biologically important (PMID: 10408771, 12595586, 17876724, 22743281) (PM5). Multiple computational algorithms predict a deleterious effect for this variant (REVEL score: 0.996) (PP3). This variant has a 0.0017% maximum allele frequency in non-founder control populations (PM2). Based on the current evidence, this variant is classified as likely pathogenic for autosomal recessive galactosemia.

ARUP Laboratories, Molecular Genetics and Genomics, ARUP Laboratories
Classification: Likely pathogenic for Deficiency of UDPglucose-hexose-1-phosphate uridylyltransferase. Last evaluated: 2025-07-10. Review status: criteria provided, single submitter. Criteria: ARUP Molecular Germline Variant Investigation Process 2024. Collection method: clinical testing. Allele origin: germline.
Comment: The GALT c.292G>C; p.Asp98His variant (rs111033670, ClinVar Variation ID: 25149) is reported in the literature in individuals affected with galactosemia who also carry an additional pathogenic variant; however, phase was not confirmed (Berry 2004, Narravula 2017, Wojcik 2019). This variant is only observed on one allele in the Genome Aggregation Database (v2.1.1), indicating it is not a common polymorphism. Additionally, other variants at this codon (c.292G>A; p.Asp98Asn) have been reported in individuals with galactosemia and are considered pathogenic (Calderon 2007). Computational analyses predict that this variant is deleterious (REVEL: 0.996). Based on available information, the p.Asp98His variant is considered to be likely pathogenic. References: Berry GT et al. The rate of de novo galactose synthesis in patients with galactose-1-phosphate uridyltransferase deficiency. Mol Genet Metab. 2004 Jan;81(1):22-30. PMID: 14728988. Calderon FR et al. Combination of enzyme analysis, allele-specific PCR and sequencing to detect mutations in the GALT gene. J Inherit Metab Dis. 2007 Oct;30(5):818. PMID: 17876724. Narravula A et al. Variants of uncertain significance in newborn screening disorders: implications for large-scale genomic sequencing. Genet Med. 2017 Jan;19(1):77-82. PMID: 27308838. Wojcik MH et al. Infant mortality: the contribution of genetic disorders. J Perinatol. 2019 Dec;39(12):1611-1619. PMID: 31395954.

Fulgent Genetics
Classification: Pathogenic for Deficiency of UDPglucose-hexose-1-phosphate uridylyltransferase. Last evaluated: 2024-06-17. Review status: criteria provided, single submitter. Criteria: ACMG Guidelines, 2015. Collection method: clinical testing. Allele origin: germline.

Baylor Genetics
Classification: Likely pathogenic for Deficiency of UDPglucose-hexose-1-phosphate uridylyltransferase. Last evaluated: 2024-03-15. Review status: criteria provided, single submitter. Criteria: ACMG Guidelines, 2015. Collection method: clinical testing. Allele origin: unknown.

Mayo Clinic Laboratories, Mayo Clinic
Classification: Pathogenic. Last evaluated: 2023-12-11. Review status: criteria provided, single submitter. Criteria: ACMG Guidelines, 2015. Collection method: clinical testing. Allele origin: germline. Observed: 2 variant alleles.
Comment: PP3, PM2_moderate, PM3, PM5, PS3

Revvity Omics, Revvity
Classification: Pathogenic for Deficiency of UDPglucose-hexose-1-phosphate uridylyltransferase. Last evaluated: 2023-11-17. Review status: criteria provided, single submitter. Criteria: ACMG Guidelines, 2015. Collection method: clinical testing. Allele origin: germline.

Women's Health and Genetics/Laboratory Corporation of America, LabCorp
Classification: Pathogenic for Deficiency of UDPglucose-hexose-1-phosphate uridylyltransferase. Last evaluated: 2023-05-10. Review status: criteria provided, single submitter. Criteria: LabCorp Variant Classification Summary - May 2015. Collection method: clinical testing. Allele origin: germline.
Comment: Variant summary: GALT c.292G>C (p.Asp98His) results in a non-conservative amino acid change located in the Galactose-1-phosphate uridyl transferase, N-terminal domain (IPR005849) of the encoded protein sequence. Five of five in-silico tools predict a damaging effect of the variant on protein function. Moreover, another variant affecting the same residue, p.Asp98Asn has been reported to be associated with galactosemia indicating the variant to be located in a mutational hotspot and the clinical importance of the Asp98 residue. The variant allele was found at a frequency of 4e-06 in 251508 control chromosomes. c.292G>C has been reported in the literature as biallelic homozygous or compound heterozygous genotypes in multiple individuals affected with Galactosemia (example, Berry_2004, Reichardt_1991). These data indicate that the variant is very likely to be associated with disease. It was reported in patients with hereditary galactosemia and proven reduced enzyme activity (less than 10% of the WT enzyme) suggesting pathogenicity (unpublished finding). The following publications have been ascertained in the context of this evaluation (PMID: 15172000, 1766867). Three clinical diagnostic laboratories have submitted clinical-significance assessments for this variant to ClinVar after 2014 without evidence for independent evaluation. All laboratories classified the variant as pathogenic/likely pathogenic. Based on the evidence outlined above, the variant was classified as pathogenic.

PreventionGenetics, part of Exact Sciences
Classification: Likely pathogenic for GALT-related condition. Last evaluated: 2023-03-31. Review status: criteria provided, single submitter. Criteria: ACMG Guidelines, 2015. Collection method: clinical testing. Allele origin: germline.
Comment: The GALT c.292G>C variant is predicted to result in the amino acid substitution p.Asp98His. This variant has been reported along with a second GALT variant in at least two individuals with galactosemia (Berry et al. 2004. PubMed ID: 14728988; Supplemental Table 3b in Wojcik et al. 2019. PubMed ID: 31395954). A different substitution impacting the same amino acid (p.Asp98Asn) has been reported in patients with galactosemia (e.g., Webb et al. 2003. PubMed ID: 12595586; Liu et al. 2012. PubMed ID: 22743281). This variant is reported in 0.0029% of alleles in individuals of Latino descent in gnomAD. In summary, this variant is interpreted as likely pathogenic.

Myriad Genetics, Inc.
Classification: Likely pathogenic for Deficiency of UDPglucose-hexose-1-phosphate uridylyltransferase. Last evaluated: 2021-10-27. Review status: criteria provided, single submitter. Criteria: Myriad Women's Health Autosomal Recessive and X-Linked Classification Criteria (2021). Collection method: clinical testing. Allele origin: unknown.
Comment: NM_000155.3(GALT):c.292G>C(D98H) is a missense variant classified as likely pathogenic in the context of galactosemia. D98H has been observed in cases with relevant disease (PMID: 21228398, 27308838, 14728988, 31395954). Functional assessments of this variant are not available in the literature. D98H has been observed in population frequency databases (ExAC: OTH 0.11%). In summary, NM_000155.3(GALT):c.292G>C(D98H) is a missense variant that has been observed more frequently in cases with the relevant disease than in healthy populations. Please note: this variant was assessed in the context of healthy population screening.

Eurofins Ntd Llc (ga)
Classification: Pathogenic. Last evaluated: 2015-11-25. Review status: criteria provided, single submitter. Criteria: EGL Classification Definitions. Collection method: clinical testing. Allele origin: germline. Observed: 4 variant alleles, 2 heterozygotes, 2 homozygotes.

Literature cited by the submitters: PubMed 14728988 (cited by 4 submitters); PubMed 31395954 (cited by 5 submitters); PubMed 10408771 (cited by Labcorp Genetics (formerly Invitae), Labcorp and Variantyx, Inc.); PubMed 12595586 (cited by Labcorp Genetics (formerly Invitae), Labcorp and Variantyx, Inc.); PubMed 22743281 (cited by Labcorp Genetics (formerly Invitae), Labcorp and Variantyx, Inc.); PubMed 21228398 (cited by 3 submitters); PubMed 17876724 (cited by Variantyx, Inc.); PubMed 20008339 (cited by Mayo Clinic Laboratories, Mayo Clinic and Women's Health and Genetics/Laboratory Corporation of America, LabCorp); PubMed 27005423 (cited by Mayo Clinic Laboratories, Mayo Clinic); PubMed 15172000 (cited by Women's Health and Genetics/Laboratory Corporation of America, LabCorp); PubMed 1766867 (cited by Women's Health and Genetics/Laboratory Corporation of America, LabCorp); PubMed 27308838 (cited by Myriad Genetics, Inc.).

NM_000155.4(GALT):c.292G>C (p.Asp98His)

Gene: GALT (galactose-1-phosphate uridylyltransferase; plus strand). Cytogenetic location: 9p13.3.
Variant type: single nucleotide variant.
Coding change: c.292G>C on transcript NM_000155.4 (MANE Select); coding-DNA position 292, G replaced by C.
Protein change: p.Asp98His; replaces aspartic acid 98 with histidine.
Molecular consequence: missense variant. On other transcripts: intron variant (1).
Genome position (GRCh38, 1-based): chr9:34,647,531, G>C. VCF-style: chr9-34647531-G-C. GRCh37 (hg19) VCF-style: chr9-34647528-G-C.
Other names: c.50+273G>C (NM_001258332.2).
Identifiers: ClinVar variation 25149 (VCV000025149.28), dbSNP rs111033670, ClinGen allele CA220419.
Genomic context (GRCh38, chr9:34,647,531, plus strand): 5'-CTAGCCTATCCTTGTCGGTAGGTGAATCCCCAGTACGATAGCACCTTCCTGTTTGACAAC[G>C]ACTTCCCAGCTCTGCAGCCTGATGCCCCCAGTCCAGGTAACCTGGCTCCAACTGCTGCTG-3'
Protein context (NP_000146.2, residues 88-108): QYDSTFLFDN[Asp98His]FPALQPDAPS